The following is an entry in ClinVar:

NC_000007.13:g.(?_107334836)_(107342512_?)del

Gene: SLC26A4 (solute carrier family 26 member 4; plus strand). Cytogenetic location: 7q22.3.
Variant type: Deletion.
Identifiers: ClinVar variation 2423095 (VCV002423095.3).

ClinVar aggregate classification (germline): Pathogenic (1 of 4 stars; one submission).

Submission:

Labcorp Genetics (formerly Invitae), Labcorp
Classification: Pathogenic. Last evaluated: 2021-11-10. Review status: criteria provided, single submitter. Criteria: Invitae Variant Classification Sherloc (09022015). Collection method: clinical testing. Allele origin: germline.
Comment: This variant is a gross deletion of the genomic region encompassing exon(s) 11-17 of the SLC26A4 gene. This variant would be expected to be in-frame, preserving the integrity of the reading frame. For these reasons, this variant has been classified as Pathogenic. This variant disrupts a region of the SLC26A4 protein in which other variant(s) (p.Leu445Trp) have been determined to be pathogenic (PMID: 19204907, 20128824, 24224479, 26752218). This suggests that this is a clinically significant region of the protein, and that variants that disrupt it are likely to be disease-causing. This variant has not been reported in the literature in individuals affected with SLC26A4-related conditions.

Literature cited by the submitters: PubMed 19204907; PubMed 20128824; PubMed 24224479; PubMed 26752218.